The following is an entry in ClinVar:

NM_017654.4(SAMD9):c.2521C>A (p.Pro841Thr)

Gene: SAMD9 (sterile alpha motif domain containing 9; minus strand). Cytogenetic location: 7q21.2.
Variant type: single nucleotide variant.
Coding change: c.2521C>A on transcript NM_017654.4 (MANE Select); coding-DNA position 2521, C replaced by A.
Protein change: p.Pro841Thr; replaces proline 841 with threonine.
Molecular consequence: missense variant.
Genome position (GRCh38, 1-based): chr7:93,103,577, G>T on the plus strand (C>A on the coding strand, the complement: SAMD9 is on the minus strand). VCF-style: chr7-93103577-G-T. GRCh37 (hg19) VCF-style: chr7-92732890-G-T.
Other names: c.2521C>A, p.Pro841Thr (NM_001193307.2); short protein forms P841T.
Identifiers: ClinVar variation 4629852 (VCV004629852.1).

ClinVar aggregate classification (germline): Uncertain significance (1 of 4 stars; one submission).

Conditions:
Inborn genetic diseases. Identifiers: MedGen C0950123, MeSH D030342.

Submission:

Ambry Genetics
Classification: Uncertain significance for Inborn genetic diseases. Last evaluated: 2025-10-06. Review status: criteria provided, single submitter. Criteria: Ambry Variant Classification Scheme 2023. Collection method: clinical testing. Allele origin: germline.
Comment: The p.P841T variant (also known as c.2521C>A), located in coding exon 1 of the SAMD9 gene, results from a C to A substitution at nucleotide position 2521. The proline at codon 841 is replaced by threonine, an amino acid with highly similar properties. This amino acid position is conserved. In addition, the in silico prediction for this alteration is inconclusive. Based on the available evidence, the clinical significance of this variant remains unclear.